The following is an entry in ClinVar:

NM_001388419.1(KALRN):c.3120G>A (p.Lys1040=)

Gene: KALRN (kalirin RhoGEF kinase; plus strand). Cytogenetic location: 3q21.2.
Variant type: single nucleotide variant.
Coding change: c.3120G>A on transcript NM_001388419.1 (MANE Select); coding-DNA position 3120, G replaced by A.
Protein change: p.Lys1040=; no amino-acid change (lysine 1040 retained).
Molecular consequence: synonymous variant. On other transcripts: non-coding transcript variant (2), intron variant (1).
Genome position (GRCh38, 1-based): chr3:124,438,959, G>A. VCF-style: chr3-124438959-G-A. GRCh37 (hg19) VCF-style: chr3-124157806-G-A.
Other names: c.3114G>A, p.Lys1038= (NM_001024660.5, NM_001322988.2, NM_003947.6); c.3087G>A, p.Lys1029= (NM_001322989.2); c.3075G>A, p.Lys1025= (NM_001322990.2); c.3048G>A, p.Lys1016= (NM_001322991.2); c.1191G>A, p.Lys397= (NM_001388412.1, NM_001388413.1); c.1164G>A, p.Lys388= (NM_001388414.1); c.1152G>A, p.Lys384= (NM_001388415.1); c.1125G>A, p.Lys375= (NM_001388416.1); and 3 more.
Identifiers: ClinVar variation 3056205 (VCV003056205.2), dbSNP rs2289837, ClinGen allele CA2579680.

ClinVar aggregate classification (germline): Benign (0 of 4 stars; one submission).

Conditions:
KALRN-related disorder. Also called: KALRN-related condition.

Allele frequency attached by ClinVar (database versions not stated): ESP Exome Variant Server 0.00976; gnomAD 0.01197; TOPMed 0.01264; gnomAD exomes 0.01407; ExAC 0.01504; 1000 Genomes Project 30x 0.01843; 1000 Genomes Project 0.01917.
gnomAD v4.1: 22,516 of 1,614,080 alleles (1.4%); highest among the groups gnomAD compares: East Asian, 8.2%; 305 homozygotes.

Submission:

PreventionGenetics, part of Exact Sciences
Classification: Benign for KALRN-related condition. Last evaluated: 2019-12-27. Review status: no assertion criteria provided. Collection method: clinical testing. Allele origin: germline.
Comment: This variant is classified as benign based on ACMG/AMP sequence variant interpretation guidelines (Richards et al. 2015 PMID: 25741868, with internal and published modifications).